The following is an entry in ClinVar:

ClinVar aggregate classification (germline): Pathogenic (1 of 4 stars; one submission).

Submission:

Labcorp Genetics (formerly Invitae), Labcorp
Classification: Pathogenic. Last evaluated: 2024-12-26. Review status: criteria provided, single submitter. Criteria: Invitae Variant Classification Sherloc (09022015). Collection method: clinical testing. Allele origin: germline.
Comment: This sequence change creates a premature translational stop signal (p.Asp63Thrfs*73) in the NXN gene. It is expected to result in an absent or disrupted protein product. Loss-of-function variants in NXN are known to be pathogenic (PMID: 29276006, 33048444). The frequency data for this variant in the population databases is considered unreliable, as metrics indicate poor data quality at this position in the gnomAD database. This variant has not been reported in the literature in individuals affected with NXN-related conditions. For these reasons, this variant has been classified as Pathogenic.

Literature cited by the submitters: PubMed 29276006; PubMed 33048444.

NM_022463.5(NXN):c.187del (p.Asp63fs)

Gene: NXN (nucleoredoxin; minus strand). Cytogenetic location: 17p13.3.
Variant type: Deletion.
Coding change: c.187del on transcript NM_022463.5 (MANE Select); coding-DNA position 187, one base deleted (G; older notation c.187delG).
Protein change: p.Asp63fs; shifts the reading frame from aspartic acid 63.
Molecular consequence: frameshift variant.
Genome position (GRCh38, 1-based): chr17:979,492, C deleted on the plus strand (G on the coding strand, the reverse complement: NXN is on the minus strand); the first of 6 consecutive C bases (chr17:979,492-979,497); deleting any one gives the same sequence. VCF-style (leftmost placement, unchanged base first): chr17-979491-TC-T. GRCh37 (hg19) VCF-style: chr17-882731-TC-T.
Other names: short protein forms D63fs.
Identifiers: ClinVar variation 3728020 (VCV003728020.2).